The following is an entry in ClinVar:

NM_139137.4(KCNC2):c.1871C>T (p.Pro624Leu)

Gene: KCNC2 (potassium voltage-gated channel subfamily C member 2; minus strand). Cytogenetic location: 12q21.1.
Variant type: single nucleotide variant.
Coding change: c.1871C>T on transcript NM_139137.4 (MANE Select); coding-DNA position 1871, C replaced by T.
Protein change: p.Pro624Leu; replaces proline 624 with leucine.
Molecular consequence: missense variant. On other transcripts: 3 prime UTR variant (6), non-coding transcript variant (1), intron variant (6).
Genome position (GRCh38, 1-based): chr12:75,043,151, G>A on the plus strand (C>T on the coding strand, the complement: KCNC2 is on the minus strand). VCF-style: chr12-75043151-G-A. GRCh37 (hg19) VCF-style: chr12-75436931-G-A.
Other names: c.*586C>T (NM_001260497.2, NM_001414197.1, NM_001414198.1); c.1706C>T, p.Pro569Leu (NM_001260499.2); c.1871C>T, p.Pro624Leu (NM_001414192.1); c.1832C>T, p.Pro611Leu (NM_001414193.1); c.1820C>T, p.Pro607Leu (NM_001414194.1); c.*136C>T (NM_001414202.1); c.*708C>T (NM_001414206.1, NM_001414213.1); c.1616-1703C>T (NM_001414199.1); and 3 more; short protein forms P569L, P607L, P611L, P624L.
Identifiers: ClinVar variation 4686408 (VCV004686408.1).

ClinVar aggregate classification (germline): Uncertain significance (1 of 4 stars; one submission).

Submission:

GeneDx
Classification: Uncertain significance. Last evaluated: 2025-07-17. Review status: criteria provided, single submitter. Criteria: GeneDx Variant Classification Process June 2021. Collection method: clinical testing. Allele origin: germline. Affected: yes.
Comment: Not observed at significant frequency in large population cohorts (gnomAD); In silico analysis supports that this missense variant has a deleterious effect on protein structure/function; Has not been previously published as pathogenic or benign to our knowledge